The following is an entry in ClinVar:

ClinVar aggregate classification (germline): Uncertain significance (1 of 4 stars; one submission).

Submission:

GeneDx
Classification: Uncertain significance. Last evaluated: 2020-11-30. Review status: criteria provided, single submitter. Criteria: GeneDx Variant Classification Process June 2021. Collection method: clinical testing. Allele origin: germline. Affected: yes.
Comment: Not observed in large population cohorts (Lek et al., 2016); In silico analysis supports that this missense variant does not alter protein structure/function; Has not been previously published as pathogenic or benign to our knowledge

NM_198173.3(GRHL3):c.1412C>T (p.Ser471Phe)

Gene: GRHL3 (grainyhead like transcription factor 3; plus strand). Cytogenetic location: 1p36.11.
Variant type: single nucleotide variant.
Coding change: c.1412C>T on transcript NM_198173.3 (MANE Select); coding-DNA position 1412, C replaced by T.
Protein change: p.Ser471Phe; replaces serine 471 with phenylalanine.
Molecular consequence: missense variant.
Genome position (GRCh38, 1-based): chr1:24,343,018, C>T. VCF-style: chr1-24343018-C-T. GRCh37 (hg19) VCF-style: chr1-24669508-C-T.
Other names: c.1274C>T, p.Ser425Phe (NM_001195010.2); c.1427C>T, p.Ser476Phe (NM_021180.4); c.1412C>T, p.Ser471Phe (NM_198174.3); short protein forms S425F, S471F, S476F.
Identifiers: ClinVar variation 1304219 (VCV001304219.2), dbSNP rs547231326, ClinGen allele CA339048819.